The following is an entry in ClinVar:

NM_002617.4(PEX10):c.113-1G>C

Gene: PEX10 (peroxisomal biogenesis factor 10; minus strand). Cytogenetic location: 1p36.32.
Variant type: single nucleotide variant.
Coding change: c.113-1G>C on transcript NM_002617.4 (MANE Select); the canonical splice acceptor site of the intron before coding-DNA position 113, G replaced by C.
Molecular consequence: splice acceptor variant.
Genome position (GRCh38, 1-based): chr1:2,410,452, C>G on the plus strand (G>C on the coding strand, the complement: PEX10 is on the minus strand). VCF-style: chr1-2410452-C-G. GRCh37 (hg19) VCF-style: chr1-2341891-C-G.
Other names: c.-320-1G>C (NM_001374427.1, NM_001374426.1); c.113-1G>C (NM_001374425.1, NM_153818.2).
Identifiers: ClinVar variation 1998583 (VCV001998583.4), dbSNP rs867305222, ClinGen allele CA337989553.

ClinVar aggregate classification (germline): Likely pathogenic (1 of 4 stars; one submission).

Conditions:
Peroxisome biogenesis disorder, complementation group 7 (CG7). Also called: Peroxisome biogenesis disorder, complementation group B. Identifiers: MedGen C1864399.

Submission:

Labcorp Genetics (formerly Invitae), Labcorp
Classification: Likely pathogenic for Peroxisome biogenesis disorder, complementation group 7. Last evaluated: 2022-05-25. Review status: criteria provided, single submitter. Criteria: Invitae Variant Classification Sherloc (09022015). Collection method: clinical testing. Allele origin: germline.
Comment: In summary, the currently available evidence indicates that the variant is pathogenic, but additional data are needed to prove that conclusively. Therefore, this variant has been classified as Likely Pathogenic. This sequence change affects an acceptor splice site in intron 1 of the PEX10 gene. It is expected to disrupt RNA splicing. Variants that disrupt the donor or acceptor splice site typically lead to a loss of protein function (PMID: 16199547), and loss-of-function variants in PEX10 are known to be pathogenic (PMID: 9683594, 10862081, 21031596). This variant is not present in population databases (gnomAD no frequency). This variant has not been reported in the literature in individuals affected with PEX10-related conditions. Algorithms developed to predict the effect of sequence changes on RNA splicing suggest that this variant may disrupt the consensus splice site.

Literature cited by the submitters: PubMed 16199547; PubMed 9683594; PubMed 10862081; PubMed 21031596.